The following is an entry in ClinVar:

ClinVar aggregate classification (germline): Uncertain significance (1 of 4 stars; one submission).

Conditions:
Familial adenomatous polyposis 1 (FAP1). Also called: FAMILIAL ADENOMATOUS POLYPOSIS 1, ATTENUATED; POLYPOSIS, ADENOMATOUS INTESTINAL. Identifiers: MedGen C2713442, MONDO:0021056, OMIM 175100. Disease mechanism: loss of function.

Submission:

Labcorp Genetics (formerly Invitae), Labcorp
Classification: Uncertain significance for Familial adenomatous polyposis 1. Last evaluated: 2025-07-02. Review status: criteria provided, single submitter. Criteria: Invitae Variant Classification Sherloc (09022015). Collection method: clinical testing. Allele origin: germline.
Comment: This sequence change replaces threonine, which is neutral and polar, with alanine, which is neutral and non-polar, at codon 2567 of the APC protein (p.Thr2567Ala). This variant is not present in population databases (gnomAD no frequency). This variant has not been reported in the literature in individuals affected with APC-related conditions. Invitae Evidence Modeling of protein sequence and biophysical properties (such as structural, functional, and spatial information, amino acid conservation, physicochemical variation, residue mobility, and thermodynamic stability) indicates that this missense variant is not expected to disrupt APC protein function with a negative predictive value of 95%. In summary, the available evidence is currently insufficient to determine the role of this variant in disease. Therefore, it has been classified as a Variant of Uncertain Significance.

NM_000038.6(APC):c.7699A>G (p.Thr2567Ala)

Gene: APC (APC regulator of Wnt signaling pathway; plus strand). Cytogenetic location: 5q22.2.
Variant type: single nucleotide variant.
Coding change: c.7699A>G on transcript NM_000038.6 (MANE Select); coding-DNA position 7699, A replaced by G.
Protein change: p.Thr2567Ala; replaces threonine 2567 with alanine.
Molecular consequence: missense variant. On other transcripts: non-coding transcript variant (2).
Genome position (GRCh38, 1-based): chr5:112,843,293, A>G. VCF-style: chr5-112843293-A-G. GRCh37 (hg19) VCF-style: chr5-112178990-A-G.
Other names: c.7699A>G, p.Thr2567Ala (NM_001127510.3, NM_001354895.2, NM_001407450.1); c.7645A>G, p.Thr2549Ala (NM_001127511.3); c.7753A>G, p.Thr2585Ala (NM_001354896.2, NM_001407447.1, NM_001407448.1 and 1 more transcripts); c.7729A>G, p.Thr2577Ala (NM_001354897.2); c.7624A>G, p.Thr2542Ala (NM_001354898.2); c.7615A>G, p.Thr2539Ala (NM_001354899.2); c.7576A>G, p.Thr2526Ala (NM_001354900.2); c.7522A>G, p.Thr2508Ala (NM_001354901.2, NM_001407453.1); and 11 more; short protein forms T2183A, T2284A, T2407A, T2438A, T2441A, T2466A, T2476A, T2484A.
Identifiers: ClinVar variation 4801522 (VCV004801522.1).